The following is an entry in ClinVar:

NM_004380.3(CREBBP):c.6806G>T (p.Gly2269Val)

Gene: CREBBP (CREB binding protein; minus strand). Cytogenetic location: 16p13.3.
Variant type: single nucleotide variant.
Coding change: c.6806G>T on transcript NM_004380.3 (MANE Select); coding-DNA position 6806, G replaced by T.
Protein change: p.Gly2269Val; replaces glycine 2269 with valine.
Molecular consequence: missense variant.
Genome position (GRCh38, 1-based): chr16:3,728,241, C>A on the plus strand (G>T on the coding strand, the complement: CREBBP is on the minus strand). VCF-style: chr16-3728241-C-A. GRCh37 (hg19) VCF-style: chr16-3778242-C-A.
Other names: c.6692G>T, p.Gly2231Val (NM_001079846.1); short protein forms G2231V, G2269V.
Identifiers: ClinVar variation 1755543 (VCV001755543.2), dbSNP rs2548343720, ClinGen allele CA394551724.

ClinVar aggregate classification (germline): Uncertain significance (1 of 4 stars; one submission).

Conditions:
Inborn genetic diseases. Identifiers: MedGen C0950123, MeSH D030342.

Submission:

Ambry Genetics
Classification: Uncertain significance for Inborn genetic diseases. Last evaluated: 2017-06-26. Review status: criteria provided, single submitter. Criteria: Ambry Variant Classification Scheme 2023. Collection method: clinical testing. Allele origin: germline.
Comment: The p.G2269V variant (also known as c.6806G>T), located in coding exon 31 of the CREBBP gene, results from a G to T substitution at nucleotide position 6806. The glycine at codon 2269 is replaced by valine, an amino acid with dissimilar properties. This amino acid position is highly conserved in available vertebrate species. In addition, this alteration is predicted to be deleterious by in silico analysis. Since supporting evidence is limited at this time, the clinical significance of this alteration remains unclear.